The following is an entry in ClinVar:

NM_170707.4(LMNA):c.827A>C (p.Gln276Pro)

Gene: LMNA (lamin A/C; plus strand). Cytogenetic location: 1q22.
Variant type: single nucleotide variant.
Coding change: c.827A>C on transcript NM_170707.4 (MANE Select); coding-DNA position 827, A replaced by C.
Protein change: p.Gln276Pro; replaces glutamine 276 with proline.
Molecular consequence: missense variant.
Genome position (GRCh38, 1-based): chr1:156,135,203, A>C. VCF-style: chr1-156135203-A-C. GRCh37 (hg19) VCF-style: chr1-156104994-A-C.
Other names: c.491A>C, p.Gln164Pro (NM_001257374.3, NM_001406989.1, NM_001406998.1); c.584A>C, p.Gln195Pro (NM_001282624.2, NM_001406986.1, NM_001406987.1); c.827A>C, p.Gln276Pro (NM_001282625.2, NM_001282626.2, NM_001406983.1 and 6 more transcripts); c.530A>C, p.Gln177Pro (NM_001406988.1); c.269A>C, p.Gln90Pro (NM_001406990.1, NM_001406993.1, NM_001406995.1 and 4 more transcripts); c.163A>C, p.Ser55Arg (NM_001406994.1, NM_001406999.1, NM_001407000.1 and 1 more transcripts); short protein forms Q164P, Q276P, Q195P, S55R, Q177P, Q90P.
Identifiers: ClinVar variation 2759749 (VCV002759749.3), dbSNP rs2527978799, ClinGen allele CA342817504.
Genomic context (GRCh38, chr1:156,135,203, plus strand): 5'-CCCTCCCAGTCACCACAGTCCTAACCCTTTGTCCTCCCCTCCAGCTGGACAATGCCAGGC[A>C]GTCTGCTGAGAGGAACAGCAACCTGGTGGGGGCTGCCCACGAGGAGCTGCAGCAGTCGCG-3'
Protein context (NP_733821.1, residues 266-286): TYSAKLDNAR[Gln276Pro]SAERNSNLVG

ClinVar aggregate classification (germline): Pathogenic (1 of 4 stars; one submission).

Conditions:
Charcot-Marie-Tooth disease type 2. Also called: Charcot-Marie-Tooth type 2. Identifiers: Orphanet 64746, MedGen C0270914, MONDO:0018993.

Submission:

Labcorp Genetics (formerly Invitae), Labcorp
Classification: Pathogenic for Charcot-Marie-Tooth disease type 2. Last evaluated: 2023-10-19. Review status: criteria provided, single submitter. Criteria: Invitae Variant Classification Sherloc (09022015). Collection method: clinical testing. Allele origin: germline.
Comment: This sequence change replaces glutamine, which is neutral and polar, with proline, which is neutral and non-polar, at codon 276 of the LMNA protein (p.Gln276Pro). This variant is not present in population databases (gnomAD no frequency). This missense change has been observed in individual(s) with autosomal dominant LMNA-related conditions (Invitae). In at least one individual the variant was observed to be de novo. Advanced modeling of protein sequence and biophysical properties (such as structural, functional, and spatial information, amino acid conservation, physicochemical variation, residue mobility, and thermodynamic stability) performed at Invitae indicates that this missense variant is expected to disrupt LMNA protein function with a positive predictive value of 80%. For these reasons, this variant has been classified as Pathogenic.